The following is an entry in ClinVar:

ClinVar aggregate classification (germline): Benign/Likely benign. Review status: criteria provided, multiple submitters, no conflicts (2 of 4 stars). 3 submissions from 3 submitters: Benign (2); Likely benign (1). Last evaluated 2026-08-01.

Allele frequency attached by ClinVar (database versions not stated): gnomAD 0.00003 and 0.00029; TOPMed 0.00007; gnomAD exomes 0.00122; ExAC 0.00148; 1000 Genomes Project 30x 0.00203; 1000 Genomes Project 0.00220.
gnomAD v4.1: 858 of 1,605,300 alleles (0.053%); highest among the groups gnomAD compares: South Asian, 0.91%; 17 homozygotes.

Submissions (3):

CeGaT Center for Human Genetics Tuebingen
Classification: Likely benign. Last evaluated: 2026-08-01. Review status: criteria provided, single submitter. Criteria: CeGaT Center For Human Genetics Tuebingen Variant Classification Criteria Version 2. Collection method: clinical testing. Allele origin: germline. Affected: yes. Observed: 2 variant alleles.
Comment: HGF: BP4, BS2

Labcorp Genetics (formerly Invitae), Labcorp
Classification: Benign. Last evaluated: 2024-12-23. Review status: criteria provided, single submitter. Criteria: Invitae Variant Classification Sherloc (09022015). Collection method: clinical testing. Allele origin: germline.

GeneDx
Classification: Benign. Last evaluated: 2019-10-01. Review status: criteria provided, single submitter. Criteria: GeneDx Variant Classification Process June 2021. Collection method: clinical testing. Allele origin: germline. Affected: yes.

NM_000601.6(HGF):c.1765G>A (p.Val589Ile)

Gene: HGF (hepatocyte growth factor; minus strand). Cytogenetic location: 7q21.11.
Variant type: single nucleotide variant.
Coding change: c.1765G>A on transcript NM_000601.6 (MANE Select); coding-DNA position 1765, G replaced by A.
Protein change: p.Val589Ile; replaces valine 589 with isoleucine.
Molecular consequence: missense variant.
Genome position (GRCh38, 1-based): chr7:81,705,746, C>T on the plus strand (G>A on the coding strand, the complement: HGF is on the minus strand). VCF-style: chr7-81705746-C-T. GRCh37 (hg19) VCF-style: chr7-81335062-C-T.
Other names: c.1750G>A, p.Val584Ile (NM_001010932.3); short protein forms V589I, V584I.
Identifiers: ClinVar variation 360777 (VCV000360777.17), dbSNP rs538415452, ClinGen allele CA4316805.